The following is an entry in ClinVar:

NM_001135146.2(SLC39A8):c.127C>G (p.Leu43Val)

Genes: SLC39A8 (solute carrier family 39 member 8; minus strand), LOC129992876 (ATAC-STARR-seq lymphoblastoid silent region 15595; plus strand). Cytogenetic location: 4q24.
Variant type: single nucleotide variant.
Coding change: c.127C>G on transcript NM_001135146.2 (MANE Select); coding-DNA position 127, C replaced by G.
Protein change: p.Leu43Val; replaces leucine 43 with valine.
Molecular consequence: missense variant.
Genome position (GRCh38, 1-based): chr4:102,344,536, G>C on the plus strand (C>G on the coding strand, the complement: SLC39A8 is on the minus strand). VCF-style: chr4-102344536-G-C. GRCh37 (hg19) VCF-style: chr4-103265693-G-C.
Other names: c.127C>G, p.Leu43Val (NM_001135147.1, NM_022154.5); short protein forms L43V.
Identifiers: ClinVar variation 4780445 (VCV004780445.1).

ClinVar aggregate classification (germline): Uncertain significance (1 of 4 stars; one submission).

gnomAD v4.1: 4 of 1,559,286 alleles (0.00026%); highest among the groups gnomAD compares: East Asian, 0.0024%; no homozygotes.

Submission:

Labcorp Genetics (formerly Invitae), Labcorp
Classification: Uncertain significance. Last evaluated: 2026-01-07. Review status: criteria provided, single submitter. Criteria: Invitae Variant Classification Sherloc (09022015). Collection method: clinical testing. Allele origin: germline.
Comment: This sequence change replaces leucine, which is neutral and non-polar, with valine, which is neutral and non-polar, at codon 43 of the SLC39A8 protein (p.Leu43Val). This variant is present in population databases (rs541959303, gnomAD 0.009%). This variant has not been reported in the literature in individuals affected with SLC39A8-related conditions. An algorithm developed to predict the effect of missense changes on protein structure and function (PolyPhen-2) suggests that this variant is likely to be disruptive. In summary, the available evidence is currently insufficient to determine the role of this variant in disease. Therefore, it has been classified as a Variant of Uncertain Significance.